The following is an entry in ClinVar:

NM_032444.4(SLX4):c.*1035A>G

Gene: SLX4 (SLX4 structure-specific endonuclease subunit; minus strand). Cytogenetic location: 16p13.3.
Variant type: single nucleotide variant.
Coding change: c.*1035A>G on transcript NM_032444.4 (MANE Select); 1035 bases downstream of the stop codon, A replaced by G.
Molecular consequence: 3 prime UTR variant.
Genome position (GRCh38, 1-based): chr16:3,581,307, T>C on the plus strand (A>G on the coding strand, the complement: SLX4 is on the minus strand). VCF-style: chr16-3581307-T-C. GRCh37 (hg19) VCF-style: chr16-3631308-T-C.
Identifiers: ClinVar variation 885126 (VCV000885126.4), dbSNP rs149634682, ClinGen allele CA276950968.
Genomic context (GRCh38, chr16:3,581,307, plus strand): 5'-CGAGGACATTCACAAGGATGGAGAAACCAAGGTTTCCTTCTTTCCTGGCCCTCATCTTCC[T>C]CCACACTGCTCCTGAGGCTGGAGGCAGCTTTAACCCAAAGAATGGAATCCGCTAGTGAAC-3'

ClinVar aggregate classification (germline): Likely benign (1 of 4 stars; one submission).

Conditions:
Fanconi anemia complementation group P. Also called: SLX4-Related Fanconi Anemia. Identifiers: Orphanet 84, MedGen C3469542, MONDO:0013499, OMIM 613951.

Allele frequency attached by ClinVar (database versions not stated): gnomAD 0.00034 and 0.00048; TOPMed 0.00048; 1000 Genomes Project 0.00260; 1000 Genomes Project 30x 0.00265.

Submission:

Illumina Laboratory Services, Illumina
Classification: Likely benign for Fanconi anemia complementation group P. Last evaluated: 2018-01-13. Review status: criteria provided, single submitter. Criteria: ICSL Variant Classification Criteria 13 December 2019. Collection method: clinical testing. Allele origin: germline.
Comment: This variant was observed in the ICSL laboratory as part of a predisposition screen in an ostensibly healthy population. It had not been previously curated by ICSL or reported in the Human Gene Mutation Database (HGMD: prior to June 1st, 2018), and was therefore a candidate for classification through an automated scoring system. Utilizing variant allele frequency, disease prevalence and penetrance estimates, and inheritance mode, an automated score was calculated to assess if this variant is too frequent to cause the disease. Based on the score and internal cut-off values, a variant classified as likely benign is not then subjected to further curation. The score for this variant resulted in a classification of likely benign for this disease.